The following is an entry in ClinVar:

ClinVar aggregate classification (germline): Uncertain significance (1 of 4 stars; one submission).

Conditions:
Inborn genetic diseases. Identifiers: MedGen C0950123, MeSH D030342.

gnomAD v4.1: 3 of 1,612,530 alleles (0.00019%); highest among the groups gnomAD compares: Non-Finnish European, 0.00025%; no homozygotes.

Submission:

Ambry Genetics
Classification: Uncertain significance for Inborn genetic diseases. Last evaluated: 2024-11-22. Review status: criteria provided, single submitter. Criteria: Ambry Variant Classification Scheme 2023. Collection method: clinical testing. Allele origin: germline.
Comment: The p.R920G variant (also known as c.2758C>G), located in coding exon 11 of the MECOM gene, results from a C to G substitution at nucleotide position 2758. The arginine at codon 920 is replaced by glycine, an amino acid with dissimilar properties. This amino acid position is conserved. In addition, the in silico prediction for this alteration is inconclusive. Based on the available evidence, the clinical significance of this variant remains unclear.

NM_004991.4(MECOM):c.2758C>G (p.Arg920Gly)

Gene: MECOM (MDS1 and EVI1 complex locus; minus strand). Cytogenetic location: 3q26.2.
Variant type: single nucleotide variant.
Coding change: c.2758C>G on transcript NM_004991.4 (MANE Select); coding-DNA position 2758, C replaced by G.
Protein change: p.Arg920Gly; replaces arginine 920 with glycine.
Molecular consequence: missense variant.
Genome position (GRCh38, 1-based): chr3:169,102,073, G>C on the plus strand (C>G on the coding strand, the complement: MECOM is on the minus strand). VCF-style: chr3-169102073-G-C. GRCh37 (hg19) VCF-style: chr3-168819861-G-C.
Other names: c.2389C>G, p.Arg797Gly (NM_001105077.4); c.2194C>G, p.Arg732Gly (NM_001105078.4, NM_001205194.2, NM_001366469.2 and 1 more transcripts); c.2170C>G, p.Arg724Gly (NM_001163999.2, NM_001366470.2); c.2167C>G, p.Arg723Gly (NM_001164000.2, NM_001366471.2, NM_001366472.2); c.2731C>G, p.Arg911Gly (NM_001366466.2); c.2197C>G, p.Arg733Gly (NM_001366467.2, NM_001366468.2); c.1759C>G, p.Arg587Gly (NM_001366473.2); c.1195C>G, p.Arg399Gly (NM_001366474.2); short protein forms R723G, R733G, R911G, R587G, R724G, R920G, R399G, R732G.
Identifiers: ClinVar variation 3394275 (VCV003394275.1).
Genomic context (GRCh38, chr3:169,102,073, plus strand): 5'-AGAGGGGAGATTTCTGGAAAGTCAGCCATAATTAACTGTGCAGTTACCTGCAGGTATAGC[G>C]CTCCTTTCCCTTCCGCAGAAGGTTCTCTGGCAGGGCATTGGGAGGCGCCCTGAAGTTGAA-3'
Protein context (NP_004982.2, residues 910-930): PENLLRKGKE[Arg920Gly]YTCRYCGKIF